The following is an entry in ClinVar:

ClinVar aggregate classification (germline): Uncertain significance. Review status: criteria provided, multiple submitters, no conflicts (2 of 4 stars). 2 submissions from 2 submitters: Uncertain significance (2). Last evaluated 2025-05-19.

Conditions:
Acrocallosal syndrome (ACLS). Also called: Schinzel syndrome 1; Absence of corpus callosum with unusual facial appearance, mental deficiency, duplication of the halluces and polydactyly; HALLUX DUPLICATION, POSTAXIAL POLYDACTYLY, AND ABSENCE OF CORPUS CALLOSUM. Identifiers: Orphanet 36, MedGen C0796147, MONDO:0008708, OMIM 200990.

Allele frequency attached by ClinVar (database versions not stated): gnomAD exomes 0.00001 and 0.00004; TOPMed 0.00004; ExAC 0.00009.
gnomAD v4.1: 15 of 1,613,956 alleles (0.00093%); highest among the groups gnomAD compares: Admixed American, 0.023%; no homozygotes.

Submissions (2):

Labcorp Genetics (formerly Invitae), Labcorp
Classification: Uncertain significance for Acrocallosal syndrome. Last evaluated: 2025-05-19. Review status: criteria provided, single submitter. Criteria: Invitae Variant Classification Sherloc (09022015). Collection method: clinical testing. Allele origin: germline.
Comment: This sequence change replaces alanine, which is neutral and non-polar, with valine, which is neutral and non-polar, at codon 653 of the KIF7 protein (p.Ala653Val). This variant is present in population databases (rs776343307, gnomAD 0.03%). This variant has not been reported in the literature in individuals affected with KIF7-related conditions. ClinVar contains an entry for this variant (Variation ID: 199198). Invitae Evidence Modeling of protein sequence and biophysical properties (such as structural, functional, and spatial information, amino acid conservation, physicochemical variation, residue mobility, and thermodynamic stability) indicates that this missense variant is not expected to disrupt KIF7 protein function with a negative predictive value of 80%. In summary, the available evidence is currently insufficient to determine the role of this variant in disease. Therefore, it has been classified as a Variant of Uncertain Significance.

Eurofins Ntd Llc (ga)
Classification: Uncertain significance. Last evaluated: 2015-01-29. Review status: criteria provided, single submitter. Criteria: EGL Classification Definitions 2015. Collection method: clinical testing. Allele origin: germline. Observed: 1 variant allele, 1 heterozygote.

NM_198525.3(KIF7):c.1958C>T (p.Ala653Val)

Gene: KIF7 (kinesin family member 7; minus strand). Cytogenetic location: 15q26.1.
Variant type: single nucleotide variant.
Coding change: c.1958C>T on transcript NM_198525.3 (MANE Select); coding-DNA position 1958, C replaced by T.
Protein change: p.Ala653Val; replaces alanine 653 with valine.
Molecular consequence: missense variant.
Genome position (GRCh38, 1-based): chr15:89,645,416, G>A on the plus strand (C>T on the coding strand, the complement: KIF7 is on the minus strand). VCF-style: chr15-89645416-G-A. GRCh37 (hg19) VCF-style: chr15-90188647-G-A.
Other names: short protein forms A653V.
Identifiers: ClinVar variation 199198 (VCV000199198.8), dbSNP rs776343307, ClinGen allele CA020236.
Genomic context (GRCh38, chr15:89,645,416, plus strand): 5'-GCATCCAACTCCTCAAGGCAAAGCTCTGGGCCCTTCCTCTCTGGCAGACTCCCTGGGCGT[G>A]CCCCCGCCCTCTGACTGCAGTTGCTGATCCTATTTCTGGAGGACAGAAGCAGGAGGCCAT-3'
Protein context (NP_940927.2, residues 643-663): RISNCSQRAG[Ala653Val]RPGSLPERKG